The following is an entry in ClinVar:

ClinVar aggregate classification (germline): Likely benign (1 of 4 stars; one submission).

gnomAD v4.1: 11 of 1,613,904 alleles (0.00068%); highest among the groups gnomAD compares: Admixed American, 0.0017%; no homozygotes.

Submission:

CeGaT Center for Human Genetics Tuebingen
Classification: Likely benign. Last evaluated: 2025-11-01. Review status: criteria provided, single submitter. Criteria: CeGaT Center For Human Genetics Tuebingen Variant Classification Criteria Version 2. Collection method: clinical testing. Allele origin: germline. Affected: yes. Observed: 1 variant allele.
Comment: RREB1: BP4

NM_001003699.4(RREB1):c.2827T>C (p.Phe943Leu)

Gene: RREB1 (ras responsive element binding protein 1; plus strand). Cytogenetic location: 6p24.3.
Variant type: single nucleotide variant.
Coding change: c.2827T>C on transcript NM_001003699.4 (MANE Select); coding-DNA position 2827, T replaced by C.
Protein change: p.Phe943Leu; replaces phenylalanine 943 with leucine.
Molecular consequence: missense variant.
Genome position (GRCh38, 1-based): chr6:7,230,926, T>C. VCF-style: chr6-7230926-T-C. GRCh37 (hg19) VCF-style: chr6-7231159-T-C.
Other names: c.2827T>C, p.Phe943Leu (NM_001003698.4, NM_001003700.2, NM_001168344.2); short protein forms F943L.
Identifiers: ClinVar variation 4533932 (VCV004533932.6).